The following is an entry in ClinVar:

ClinVar aggregate classification (germline): Uncertain significance (1 of 4 stars; one submission).

Conditions:
Lipoic acid synthetase deficiency. Also called: HYPERGLYCINEMIA, LACTIC ACIDOSIS, AND SEIZURES. Identifiers: Orphanet 401859, MedGen C3280887, MONDO:0013762, OMIM 614462.

Allele frequency attached by ClinVar (database versions not stated): gnomAD exomes below 0.00001; gnomAD 0.00001.
gnomAD v4.1: 2 of 1,613,418 alleles (0.00012%); highest among the groups gnomAD compares: East Asian, 0.0045%; no homozygotes.

Submission:

Labcorp Genetics (formerly Invitae), Labcorp
Classification: Uncertain significance for Lipoic acid synthetase deficiency. Last evaluated: 2022-08-31. Review status: criteria provided, single submitter. Criteria: Invitae Variant Classification Sherloc (09022015). Collection method: clinical testing. Allele origin: germline.
Comment: This sequence change replaces aspartic acid, which is acidic and polar, with glycine, which is neutral and non-polar, at codon 47 of the LIAS protein (p.Asp47Gly). In summary, the available evidence is currently insufficient to determine the role of this variant in disease. Therefore, it has been classified as a Variant of Uncertain Significance. Algorithms developed to predict the effect of sequence changes on RNA splicing suggest that this variant may create or strengthen a splice site. Algorithms developed to predict the effect of missense changes on protein structure and function are either unavailable or do not agree on the potential impact of this missense change (SIFT: "Deleterious"; PolyPhen-2: "Benign"; Align-GVGD: "Class C0"). ClinVar contains an entry for this variant (Variation ID: 577562). This variant has not been reported in the literature in individuals affected with LIAS-related conditions. This variant is present in population databases (no rsID available, gnomAD 0.06%).

NM_006859.4(LIAS):c.140A>G (p.Asp47Gly)

Gene: LIAS (lipoic acid synthetase; plus strand). Cytogenetic location: 4p14.
Variant type: single nucleotide variant.
Coding change: c.140A>G on transcript NM_006859.4 (MANE Select); coding-DNA position 140, A replaced by G.
Protein change: p.Asp47Gly; replaces aspartic acid 47 with glycine.
Molecular consequence: missense variant.
Genome position (GRCh38, 1-based): chr4:39,460,884, A>G. VCF-style: chr4-39460884-A-G. GRCh37 (hg19) VCF-style: chr4-39462504-A-G.
Other names: c.140A>G, p.Asp47Gly (NM_001278590.2, NM_001278591.2, NM_001278592.2 and 2 more transcripts); short protein forms D47G.
Identifiers: ClinVar variation 577562 (VCV000577562.10), dbSNP rs1184621128, ClinGen allele CA356663741.